The following is an entry in ClinVar:

NM_213720.3(CHCHD10):c.97G>T (p.Ala33Ser)

Gene: CHCHD10 (coiled-coil-helix-coiled-coil-helix domain containing 10; minus strand). Cytogenetic location: 22q11.23.
Variant type: single nucleotide variant.
Coding change: c.97G>T on transcript NM_213720.3 (MANE Select); coding-DNA position 97, G replaced by T.
Protein change: p.Ala33Ser; replaces alanine 33 with serine.
Molecular consequence: missense variant. On other transcripts: non-coding transcript variant (1).
Genome position (GRCh38, 1-based): chr22:23,767,538, C>A on the plus strand (G>T on the coding strand, the complement: CHCHD10 is on the minus strand). VCF-style: chr22-23767538-C-A. GRCh37 (hg19) VCF-style: chr22-24109725-C-A.
Other names: c.97G>T, p.Ala33Ser (NM_001301339.2); short protein forms A33S.
Identifiers: ClinVar variation 2939327 (VCV002939327.3), dbSNP rs2145927177, ClinGen allele CA410916758.

ClinVar aggregate classification (germline): Uncertain significance (1 of 4 stars; one submission).

Conditions:
Lower motor neuron syndrome with late-adult onset (SMAJ). Also called: Spinal muscular atrophy, Jokela type; Late-Onset Spinal Motor Neuronopathy (SMAJ). Identifiers: Orphanet 276435, MedGen C3554398, MONDO:0014025, OMIM 615048.
Autosomal dominant mitochondrial myopathy with exercise intolerance (IMMD). Also called: Myopathy, isolated mitochondrial, autosomal dominant. Identifiers: Orphanet 457050, MedGen C4015513, MONDO:0014532, OMIM 616209.
Frontotemporal dementia and/or amyotrophic lateral sclerosis 2. Also called: FTDALS2. Identifiers: Orphanet 275872, MedGen C4014648, MONDO:0014395, OMIM 615911.

Submission:

Labcorp Genetics (formerly Invitae), Labcorp
Classification: Uncertain significance for Lower motor neuron syndrome with late-adult onset; Frontotemporal dementia and/or amyotrophic lateral sclerosis 2; Autosomal dominant mitochondrial myopathy with exercise intolerance. Last evaluated: 2023-09-25. Review status: criteria provided, single submitter. Criteria: Invitae Variant Classification Sherloc (09022015). Collection method: clinical testing. Allele origin: germline.
Comment: In summary, the available evidence is currently insufficient to determine the role of this variant in disease. Therefore, it has been classified as a Variant of Uncertain Significance. Experimental studies and prediction algorithms are not available or were not evaluated, and the functional significance of this variant is currently unknown. This variant has not been reported in the literature in individuals affected with CHCHD10-related conditions. This variant is not present in population databases (gnomAD no frequency). This sequence change replaces alanine, which is neutral and non-polar, with serine, which is neutral and polar, at codon 33 of the CHCHD10 protein (p.Ala33Ser).